The following is an entry in ClinVar:

NM_001849.4(COL6A2):c.1671T>C (p.Pro557=)

Gene: COL6A2 (collagen type VI alpha 2 chain; plus strand). Cytogenetic location: 21q22.3.
Variant type: single nucleotide variant.
Coding change: c.1671T>C on transcript NM_001849.4 (MANE Select); coding-DNA position 1671, T replaced by C.
Protein change: p.Pro557=; no amino-acid change (proline 557 retained).
Molecular consequence: synonymous variant.
Genome position (GRCh38, 1-based): chr21:46,122,937, T>C. VCF-style: chr21-46122937-T-C. GRCh37 (hg19) VCF-style: chr21-47542851-T-C.
Other names: c.1671T>C, p.Pro557= (NM_058174.3, NM_058175.3).
Identifiers: ClinVar variation 1001193 (VCV001001193.9), dbSNP rs2078589880, ClinGen allele CA512728686.

ClinVar aggregate classification (germline): Uncertain significance (1 of 4 stars; one submission).

Conditions:
Bethlem myopathy 1A. Also called: Bethlem Muscular Dystrophy; MYOPATHY, BENIGN CONGENITAL, WITH CONTRACTURES; Bethlem myopathy 1. Identifiers: Orphanet 610, MedGen CN029274, MONDO:0024530, OMIM 158810.

Submission:

Labcorp Genetics (formerly Invitae), Labcorp
Classification: Uncertain significance for Bethlem myopathy 1A. Last evaluated: 2023-11-27. Review status: criteria provided, single submitter. Criteria: Invitae Variant Classification Sherloc (09022015). Collection method: clinical testing. Allele origin: germline.
Comment: This sequence change affects codon 557 of the COL6A2 mRNA. It is a 'silent' change, meaning that it does not change the encoded amino acid sequence of the COL6A2 protein. It affects a nucleotide within the consensus splice site. This variant is not present in population databases (gnomAD no frequency). This variant has not been reported in the literature in individuals affected with COL6A2-related conditions. ClinVar contains an entry for this variant (Variation ID: 1001193). Algorithms developed to predict the effect of sequence changes on RNA splicing suggest that this variant is not likely to affect RNA splicing. In summary, the available evidence is currently insufficient to determine the role of this variant in disease. Therefore, it has been classified as a Variant of Uncertain Significance.